The following is an entry in ClinVar:

ClinVar aggregate classification (germline): Uncertain significance. Review status: criteria provided, multiple submitters, no conflicts (2 of 4 stars). 5 submissions from 5 submitters: Uncertain significance (5). Last evaluated 2025-08-07.

Conditions:
Familial adenomatous polyposis 1 (FAP1). Also called: POLYPOSIS, ADENOMATOUS INTESTINAL; FAMILIAL ADENOMATOUS POLYPOSIS 1, ATTENUATED. Identifiers: MedGen C2713442, MONDO:0021056, OMIM 175100. Disease mechanism: loss of function.
Hereditary cancer-predisposing syndrome. Also called: Hereditary Cancer Syndrome; Neoplastic Syndromes, Hereditary; Tumor predisposition; Hereditary neoplastic syndrome. Identifiers: Orphanet 140162, MedGen C0027672, MeSH D009386, MONDO:0015356.
Classic or attenuated familial adenomatous polyposis. Identifiers: MedGen CN372698, MONDO:0021057.

Allele frequency attached by ClinVar (database versions not stated): TOPMed 0.00001.
gnomAD v4.1: 1 of 1,612,656 alleles (0.000062%); highest among the groups gnomAD compares: South Asian, 0.0011%; no homozygotes.

Submissions (5):

Labcorp Genetics (formerly Invitae), Labcorp
Classification: Uncertain significance for Familial adenomatous polyposis 1. Last evaluated: 2025-08-07. Review status: criteria provided, single submitter. Criteria: Invitae Variant Classification Sherloc (09022015). Collection method: clinical testing. Allele origin: germline.
Comment: This sequence change replaces alanine, which is neutral and non-polar, with glutamic acid, which is acidic and polar, at codon 1793 of the APC protein (p.Ala1793Glu). This variant is not present in population databases (gnomAD no frequency). This variant has not been reported in the literature in individuals affected with APC-related conditions. ClinVar contains an entry for this variant (Variation ID: 489467). Invitae Evidence Modeling of protein sequence and biophysical properties (such as structural, functional, and spatial information, amino acid conservation, physicochemical variation, residue mobility, and thermodynamic stability) indicates that this missense variant is not expected to disrupt APC protein function with a negative predictive value of 95%. In summary, the available evidence is currently insufficient to determine the role of this variant in disease. Therefore, it has been classified as a Variant of Uncertain Significance.

All of Us Research Program, National Institutes of Health
Classification: Uncertain significance for Classic or attenuated familial adenomatous polyposis. Last evaluated: 2024-03-05. Review status: criteria provided, single submitter. Criteria: ACMG Guidelines, 2015. Collection method: clinical testing. Allele origin: germline. Inheritance: Autosomal dominant inheritance. Observed: 1 variant allele, 1 heterozygote.
Comment: This study involves interpretation of variants in research participants for the purpose of population health screening. Participant phenotype was not available at the time of variant classification. Additional details can be found in publication PMID: 35346344, PMCID: PMC8962531

Color Diagnostics, LLC DBA Color Health
Classification: Uncertain significance for Hereditary cancer-predisposing syndrome. Last evaluated: 2023-12-05. Review status: criteria provided, single submitter. Criteria: ACMG Guidelines, 2015. Collection method: clinical testing. Allele origin: germline.
Comment: This missense variant replaces alanine with glutamic acid at codon 1793 of the APC protein. Computational prediction suggests that this variant may not impact protein structure and function (internally defined REVEL score threshold <= 0.5, PMID: 27666373). To our knowledge, functional studies have not been reported for this variant. This variant has not been reported in individuals affected with APC-related disorders in the literature. This variant has not been identified in the general population by the Genome Aggregation Database (gnomAD). The available evidence is insufficient to determine the role of this variant in disease conclusively. Therefore, this variant is classified as a Variant of Uncertain Significance.

Quest Diagnostics Nichols Institute San Juan Capistrano
Classification: Uncertain significance. Last evaluated: 2023-01-16. Review status: criteria provided, single submitter. Criteria: Quest Diagnostics criteria. Collection method: clinical testing. Allele origin: unknown.
Comment: To the best of our knowledge, the variant has not been reported in individuals with APC-related conditions in the published literature. It also has not been reported in large, multi-ethnic general populations. Analysis of this variant using bioinformatics tools for the prediction of the effect of amino acid changes on protein structure and function yielded predictions that this variant is benign. Based on the available information, we are unable to determine the clinical significance of this variant.

Ambry Genetics
Classification: Uncertain significance for Hereditary cancer-predisposing syndrome. Last evaluated: 2022-01-16. Review status: criteria provided, single submitter. Criteria: Ambry Variant Classification Scheme 2023. Collection method: clinical testing. Allele origin: germline.
Comment: The p.A1793E variant (also known as c.5378C>A), located in coding exon 15 of the APC gene, results from a C to A substitution at nucleotide position 5378. The alanine at codon 1793 is replaced by glutamic acid, an amino acid with dissimilar properties. This amino acid position is conserved. In addition, in silico predictors for this gene do not accurately predict pathogenicity. Since supporting evidence is limited at this time, the clinical significance of this alteration remains unclear.

NM_000038.6(APC):c.5378C>A (p.Ala1793Glu)

Gene: APC (APC regulator of Wnt signaling pathway; plus strand). Cytogenetic location: 5q22.2.
Variant type: single nucleotide variant.
Coding change: c.5378C>A on transcript NM_000038.6 (MANE Select); coding-DNA position 5378, C replaced by A.
Protein change: p.Ala1793Glu; replaces alanine 1793 with glutamic acid.
Molecular consequence: missense variant.
Genome position (GRCh38, 1-based): chr5:112,840,972, C>A. VCF-style: chr5-112840972-C-A. GRCh37 (hg19) VCF-style: chr5-112176669-C-A.
Other names: c.5378C>A, p.Ala1793Glu (NM_001127510.3, NM_001354895.2); c.5324C>A, p.Ala1775Glu (NM_001127511.3); c.5432C>A, p.Ala1811Glu (NM_001354896.2); c.5408C>A, p.Ala1803Glu (NM_001354897.2); c.5303C>A, p.Ala1768Glu (NM_001354898.2); c.5294C>A, p.Ala1765Glu (NM_001354899.2); c.5255C>A, p.Ala1752Glu (NM_001354900.2); c.5201C>A, p.Ala1734Glu (NM_001354901.2); and 5 more; short protein forms A1775E, A1793E, A1667E, A1702E, A1765E, A1510E, A1734E, A1752E.
Identifiers: ClinVar variation 489467 (VCV000489467.12), dbSNP rs764203580, ClinGen allele CA16033084.